The following is an entry in ClinVar:

ClinVar aggregate classification (germline): Uncertain significance. Review status: criteria provided, multiple submitters, no conflicts (2 of 4 stars). 2 submissions from 2 submitters: Uncertain significance (2). Last evaluated 2024-07-24.

Conditions:
Neuropathy, hereditary sensory and autonomic, type 2A (HSAN2A). Also called: MORVAN DISEASE; NEUROPATHY, CONGENITAL SENSORY; NEUROPATHY, HEREDITARY SENSORY RADICULAR, AUTOSOMAL RECESSIVE; NEUROPATHY, HEREDITARY SENSORY, TYPE IIA; NEUROPATHY, PROGRESSIVE SENSORY, OF CHILDREN; WNK1-Related HSAN2 (HSAN2A). Identifiers: Orphanet 970, MedGen C2752089, MONDO:0024309, OMIM 201300.
Pseudohypoaldosteronism type 2C (PHA2C). Also called: Pseudohypoaldosteronism Type IIC. Identifiers: Orphanet 757, Orphanet 88940, MedGen C1840391, MONDO:0013778, OMIM 614492.

Allele frequency attached by ClinVar (database versions not stated): ExAC 0.00001.
gnomAD v4.1: 3 of 1,613,830 alleles (0.00019%); highest among the groups gnomAD compares: Non-Finnish European, 0.000085%; no homozygotes.

Submissions (2):

Labcorp Genetics (formerly Invitae), Labcorp
Classification: Uncertain significance for Neuropathy, hereditary sensory and autonomic, type 2A; Pseudohypoaldosteronism type 2C. Last evaluated: 2024-07-24. Review status: criteria provided, single submitter. Criteria: Invitae Variant Classification Sherloc (09022015). Collection method: clinical testing. Allele origin: germline.
Comment: This sequence change replaces glutamic acid, which is acidic and polar, with aspartic acid, which is acidic and polar, at codon 492 of the WNK1 protein (p.Glu492Asp). This variant is present in population databases (rs750205260, gnomAD 0.01%). This variant has not been reported in the literature in individuals affected with WNK1-related conditions. ClinVar contains an entry for this variant (Variation ID: 938325). Advanced modeling of protein sequence and biophysical properties (such as structural, functional, and spatial information, amino acid conservation, physicochemical variation, residue mobility, and thermodynamic stability) performed at Invitae indicates that this missense variant is not expected to disrupt WNK1 protein function with a negative predictive value of 95%. In summary, the available evidence is currently insufficient to determine the role of this variant in disease. Therefore, it has been classified as a Variant of Uncertain Significance.

Fulgent Genetics
Classification: Uncertain significance for Neuropathy, hereditary sensory and autonomic, type 2A; Pseudohypoaldosteronism type 2C. Last evaluated: 2022-03-12. Review status: criteria provided, single submitter. Criteria: ACMG Guidelines, 2015. Collection method: clinical testing. Allele origin: unknown.

NM_018979.4(WNK1):c.1476A>T (p.Glu492Asp)

Gene: WNK1 (WNK lysine deficient protein kinase 1; plus strand). Cytogenetic location: 12p13.33.
Variant type: single nucleotide variant.
Coding change: c.1476A>T on transcript NM_018979.4 (MANE Select); coding-DNA position 1476, A replaced by T.
Protein change: p.Glu492Asp; replaces glutamic acid 492 with aspartic acid.
Molecular consequence: missense variant.
Genome position (GRCh38, 1-based): chr12:859,320, A>T. VCF-style: chr12-859320-A-T. GRCh37 (hg19) VCF-style: chr12-968486-A-T.
Other names: c.1476A>T, p.Glu492Asp (NM_001184985.2, NM_014823.3, NM_213655.5); short protein forms E492D.
Identifiers: ClinVar variation 938325 (VCV000938325.10), dbSNP rs750205260, ClinGen allele CA6381973.
Genomic context (GRCh38, chr12:859,320, plus strand): 5'-CCTTTTGAACCATGCCTTCTTCCAAGAGGAAACAGGAGTACGGGTAGAATTAGCAGAAGA[A>T]GATGATGGAGAAAAAATAGCCATAAAATTATGGCTACGTATTGAAGATATTAAGAAATTA-3'
Protein context (NP_061852.3, residues 482-502): ETGVRVELAE[Glu492Asp]DDGEKIAIKL